The following is an entry in ClinVar:

NM_006766.5(KAT6A):c.2518C>T (p.Pro840Ser)

Gene: KAT6A (lysine acetyltransferase 6A; minus strand). Cytogenetic location: 8p11.21.
Variant type: single nucleotide variant.
Coding change: c.2518C>T on transcript NM_006766.5 (MANE Select); coding-DNA position 2518, C replaced by T.
Protein change: p.Pro840Ser; replaces proline 840 with serine.
Molecular consequence: missense variant.
Genome position (GRCh38, 1-based): chr8:41,941,363, G>A on the plus strand (C>T on the coding strand, the complement: KAT6A is on the minus strand). VCF-style: chr8-41941363-G-A. GRCh37 (hg19) VCF-style: chr8-41798881-G-A.
Other names: short protein forms P840S.
Identifiers: ClinVar variation 2792912 (VCV002792912.3), dbSNP rs1822123506, ClinGen allele CA371072248.
Genomic context (GRCh38, chr8:41,941,363, plus strand): 5'-TATTTGCAGGAAGACTATCATGAGGAAGGACTTGTTTGCTCAAACGTGTAGAACTGACTG[G>A]AGCCATAACTTCTGGTTTCTTTTCACTTTCTACTGAATAAGAATCTTGTTCTTTGTTCTC-3'
Protein context (NP_006757.2, residues 830-850): ESEKKPEVMA[Pro840Ser]VSSTRLSKQV

ClinVar aggregate classification (germline): Uncertain significance (1 of 4 stars; one submission).

Allele frequency attached by ClinVar (database versions not stated): gnomAD exomes below 0.00001; TOPMed 0.00001.
gnomAD v4.1: 1 of 1,611,824 alleles (0.000062%); highest among the groups gnomAD compares: South Asian, 0.0011%; no homozygotes.

Submission:

Labcorp Genetics (formerly Invitae), Labcorp
Classification: Uncertain significance. Last evaluated: 2024-06-09. Review status: criteria provided, single submitter. Criteria: Invitae Variant Classification Sherloc (09022015). Collection method: clinical testing. Allele origin: germline.
Comment: This sequence change replaces proline, which is neutral and non-polar, with serine, which is neutral and polar, at codon 840 of the KAT6A protein (p.Pro840Ser). This variant is not present in population databases (gnomAD no frequency). This variant has not been reported in the literature in individuals affected with KAT6A-related conditions. Advanced modeling of protein sequence and biophysical properties (such as structural, functional, and spatial information, amino acid conservation, physicochemical variation, residue mobility, and thermodynamic stability) performed at Invitae indicates that this missense variant is not expected to disrupt KAT6A protein function with a negative predictive value of 80%. In summary, the available evidence is currently insufficient to determine the role of this variant in disease. Therefore, it has been classified as a Variant of Uncertain Significance.